The following is an entry in ClinVar:

ClinVar aggregate classification (germline): Uncertain significance (1 of 4 stars; one submission).

Allele frequency attached by ClinVar (database versions not stated): gnomAD 0.00001; TOPMed below 0.00001.
gnomAD v4.1: 5 of 1,613,312 alleles (0.00031%); highest among the groups gnomAD compares: East Asian, 0.0067%; no homozygotes.

Submission:

Labcorp Genetics (formerly Invitae), Labcorp
Classification: Uncertain significance. Last evaluated: 2025-11-19. Review status: criteria provided, single submitter. Criteria: Invitae Variant Classification Sherloc (09022015). Collection method: clinical testing. Allele origin: germline.
Comment: This sequence change replaces methionine, which is neutral and non-polar, with leucine, which is neutral and non-polar, at codon 562 of the POLR3B protein (p.Met562Leu). This variant is present in population databases (no rsID available, gnomAD 0.06%). This variant has not been reported in the literature in individuals affected with POLR3B-related conditions. ClinVar contains an entry for this variant (Variation ID: 1960525). Invitae Evidence Modeling of protein sequence and biophysical properties (such as structural, functional, and spatial information, amino acid conservation, physicochemical variation, residue mobility, and thermodynamic stability) indicates that this missense variant is not expected to disrupt POLR3B protein function with a negative predictive value of 80%. In summary, the available evidence is currently insufficient to determine the role of this variant in disease. Therefore, it has been classified as a Variant of Uncertain Significance.

NM_018082.6(POLR3B):c.1684A>T (p.Met562Leu)

Gene: POLR3B (RNA polymerase III subunit B; plus strand). Cytogenetic location: 12q23.3.
Variant type: single nucleotide variant.
Coding change: c.1684A>T on transcript NM_018082.6 (MANE Select); coding-DNA position 1684, A replaced by T.
Protein change: p.Met562Leu; replaces methionine 562 with leucine.
Molecular consequence: missense variant.
Genome position (GRCh38, 1-based): chr12:106,433,775, A>T. VCF-style: chr12-106433775-A-T. GRCh37 (hg19) VCF-style: chr12-106827553-A-T.
Other names: c.1510A>T, p.Met504Leu (NM_001160708.2); short protein forms M504L, M562L.
Identifiers: ClinVar variation 1960525 (VCV001960525.5), dbSNP rs746920953, ClinGen allele CA386390143.